The following is an entry in ClinVar:

ClinVar aggregate classification (germline): Uncertain significance (1 of 4 stars; one submission).

Conditions:
Cardiovascular phenotype. Identifiers: MedGen CN230736.

gnomAD v4.1: 1 of 1,613,982 alleles (0.000062%); highest among the groups gnomAD compares: Non-Finnish European, 0.000085%; no homozygotes.

Submission:

Ambry Genetics
Classification: Uncertain significance for Cardiovascular phenotype. Last evaluated: 2025-01-21. Review status: criteria provided, single submitter. Criteria: Ambry Variant Classification Scheme 2023. Collection method: clinical testing. Allele origin: germline.
Comment: The p.E305Q variant (also known as c.913G>C), located in coding exon 10 of the CACNB2 gene, results from a G to C substitution at nucleotide position 913. The glutamic acid at codon 305 is replaced by glutamine, an amino acid with highly similar properties. This amino acid position is conserved. In addition, this alteration is predicted to be deleterious by in silico analysis. Based on the available evidence, the clinical significance of this variant remains unclear.

NM_201596.3(CACNB2):c.1075G>C (p.Glu359Gln)

Gene: CACNB2 (calcium voltage-gated channel auxiliary subunit beta 2; plus strand). Cytogenetic location: 10p12.31.
Variant type: single nucleotide variant.
Coding change: c.1075G>C on transcript NM_201596.3 (MANE Select); coding-DNA position 1075, G replaced by C.
Protein change: p.Glu359Gln; replaces glutamic acid 359 with glutamine.
Molecular consequence: missense variant.
Genome position (GRCh38, 1-based): chr10:18,534,096, G>C. VCF-style: chr10-18534096-G-C. GRCh37 (hg19) VCF-style: chr10-18823025-G-C.
Other names: c.910G>C, p.Glu304Gln (NM_000724.4); c.877G>C, p.Glu293Gln (NM_001167945.2); c.796G>C, p.Glu266Gln (NM_001330060.2); c.817G>C, p.Glu273Gln (NM_001410882.1); c.931G>C, p.Glu311Gln (NM_201570.3); c.991G>C, p.Glu331Gln (NM_201571.4); c.919G>C, p.Glu307Gln (NM_201572.4); c.913G>C, p.Glu305Gln (NM_201590.3); and 2 more; short protein forms E266Q, E311Q, E335Q, E359Q, E273Q, E293Q, E307Q, E304Q.
Identifiers: ClinVar variation 3826735 (VCV003826735.1).